The following is an entry in ClinVar:

ClinVar aggregate classification (germline): Benign/Likely benign. Review status: criteria provided, multiple submitters, no conflicts (2 of 4 stars). 5 submissions from 5 submitters: Benign (1); Likely benign (4). Last evaluated 2024-10-01.

Conditions:
Familial cancer of breast. Also called: BREAST CANCER, FAMILIAL; Hereditary breast cancer; hereditary breast carcinoma. Identifiers: Orphanet 227535, MedGen C0346153, MONDO:0016419, OMIM 114480. Disease mechanism: loss of function.
Hereditary cancer-predisposing syndrome. Also called: Neoplastic Syndromes, Hereditary; Hereditary Cancer Syndrome; Tumor predisposition; Hereditary neoplastic syndrome. Identifiers: Orphanet 140162, MedGen C0027672, MeSH D009386, MONDO:0015356.

Allele frequency attached by ClinVar (database versions not stated): gnomAD exomes below 0.00001.
gnomAD v4.1: 1 of 1,613,986 alleles (0.000062%); highest among the groups gnomAD compares: Non-Finnish European, 0.000085%; no homozygotes.

Submissions (5):

Myriad Genetics, Inc.
Classification: Benign for Familial cancer of breast. Last evaluated: 2024-10-01. Review status: criteria provided, single submitter. Criteria: Myriad Autosomal Dominant, Autosomal Recessive and X-Linked Classification Criteria (2023). Collection method: clinical testing. Allele origin: unknown.
Comment: This variant is considered benign. This variant is a silent/synonymous amino acid change and it is not expected to impact splicing.

Labcorp Genetics (formerly Invitae), Labcorp
Classification: Likely benign for Familial cancer of breast. Last evaluated: 2024-01-25. Review status: criteria provided, single submitter. Criteria: Invitae Variant Classification Sherloc (09022015). Collection method: clinical testing. Allele origin: germline.

Ambry Genetics
Classification: Likely benign for Hereditary cancer-predisposing syndrome. Last evaluated: 2021-06-01. Review status: criteria provided, single submitter. Criteria: Ambry Variant Classification Scheme 2023. Collection method: clinical testing. Allele origin: germline.

Color Diagnostics, LLC DBA Color Health
Classification: Likely benign for Hereditary cancer-predisposing syndrome. Last evaluated: 2018-09-27. Review status: criteria provided, single submitter. Criteria: ACMG Guidelines, 2015. Collection method: clinical testing. Allele origin: germline.

GeneDx
Classification: Likely benign. Last evaluated: 2017-01-10. Review status: criteria provided, single submitter. Criteria: GeneDx Variant Classification (06012015). Collection method: clinical testing. Allele origin: germline. Affected: yes.
Comment: This variant is considered likely benign or benign based on one or more of the following criteria: it is a conservative change, it occurs at a poorly conserved position in the protein, it is predicted to be benign by multiple in silico algorithms, and/or has population frequency not consistent with disease.

NM_007194.4(CHEK2):c.213C>G (p.Leu71=)

Gene: CHEK2 (checkpoint kinase 2; minus strand). Cytogenetic location: 22q12.1.
Variant type: single nucleotide variant.
Coding change: c.213C>G on transcript NM_007194.4 (MANE Select); coding-DNA position 213, C replaced by G.
Protein change: p.Leu71=; no amino-acid change (leucine 71 retained).
Molecular consequence: synonymous variant.
Genome position (GRCh38, 1-based): chr22:28,734,509, G>C on the plus strand (C>G on the coding strand, the complement: CHEK2 is on the minus strand). VCF-style: chr22-28734509-G-C. GRCh37 (hg19) VCF-style: chr22-29130497-G-C.
Other names: c.213C>G, p.Leu71= (NM_001005735.3, NM_001349956.3, NM_145862.3); c.-565C>G (NM_001257387.3).
Identifiers: ClinVar variation 392866 (VCV000392866.18), dbSNP rs1057524667, ClinGen allele CA16608618.
Genomic context (GRCh38, chr22:28,734,509, plus strand): 5'-GGCAGGGGTAGGCTCCTCAGGTTCTTGGTCCTCAGGTTCTTGGTCCTCAGGAATAGAATA[G>C]AGTTCCTGAGTGGACACTGTCTCTAAGGAGCTCAGTGTCCCAGAGCTGGAGTGAGAGGAC-3'
Protein context (NP_009125.1, residues 61-81): SSLETVSTQE[Leu71=]YSIPEDQEPE